The following is an entry in ClinVar:

NM_001360016.2(G6PD):c.545G>A (p.Arg182Gln)

Gene: G6PD (glucose-6-phosphate dehydrogenase; minus strand). Cytogenetic location: Xq28.
Variant type: single nucleotide variant.
Coding change: c.545G>A on transcript NM_001360016.2 (MANE Select); coding-DNA position 545, G replaced by A.
Protein change: p.Arg182Gln; replaces arginine 182 with glutamine.
Molecular consequence: missense variant.
Genome position (GRCh38, 1-based): chrX:154,534,437, C>T on the plus strand (G>A on the coding strand, the complement: G6PD is on the minus strand). VCF-style: chrX-154534437-C-T. GRCh37 (hg19) VCF-style: chrX-153762652-C-T.
Other names: c.635G>A, p.Arg212Gln (NM_000402.4); c.545G>A, p.Arg182Gln (NM_001042351.3); short protein forms R182Q, R212Q.
Identifiers: ClinVar variation 2141975 (VCV002141975.2), dbSNP rs398123549, ClinGen allele CA10566220.
Genomic context (GRCh38, chrX:154,534,437, plus strand): 5'-TAGTGGTCGATGCGGTAGATCTGGTCCTCACGGAACAGGGAGGAGATGTGGTTGGACAGC[C>T]GGTCAGAGCTCTGCAGGTCCCTCCCGAAGGGCTTCTCCACGATGATGCGGTTCCAGCCTC-3'
Protein context (NP_001346945.1, residues 172-192): PFGRDLQSSD[Arg182Gln]LSNHISSLFR

ClinVar aggregate classification (germline): Uncertain significance (1 of 4 stars; one submission).

Conditions:
Anemia, nonspherocytic hemolytic, due to G6PD deficiency (CNSHA1). Also called: Hemolytic anemia due to G6PD deficiency; ANEMIA, CONGENITAL, NONSPHEROCYTIC HEMOLYTIC, 1; Class I glucose-6-phosphate dehydrogenase deficiency; Favism, susceptibility to. Identifiers: Orphanet 466026, MedGen C2720289, MONDO:0010480, OMIM 300908.

Allele frequency attached by ClinVar (database versions not stated): ExAC 0.00001; gnomAD 0.00001; gnomAD exomes 0.00001; TOPMed 0.00001.
gnomAD v4.1: 17 of 1,209,703 alleles (0.0014%); highest among the groups gnomAD compares: South Asian, 0.012%; no homozygotes.

Submission:

Labcorp Genetics (formerly Invitae), Labcorp
Classification: Uncertain significance for Anemia, nonspherocytic hemolytic, due to G6PD deficiency. Last evaluated: 2025-08-20. Review status: criteria provided, single submitter. Criteria: Invitae Variant Classification Sherloc (09022015). Collection method: clinical testing. Allele origin: germline.
Comment: This sequence change replaces arginine, which is basic and polar, with glutamine, which is neutral and polar, at codon 182 of the G6PD protein (p.Arg182Gln). This variant is present in population databases (rs398123549, gnomAD 0.01%). This variant has not been reported in the literature in individuals affected with G6PD-related conditions. ClinVar contains an entry for this variant (Variation ID: 2141975). Invitae Evidence Modeling of protein sequence and biophysical properties (such as structural, functional, and spatial information, amino acid conservation, physicochemical variation, residue mobility, and thermodynamic stability) indicates that this missense variant is not expected to disrupt G6PD protein function with a negative predictive value of 95%. In summary, the available evidence is currently insufficient to determine the role of this variant in disease. Therefore, it has been classified as a Variant of Uncertain Significance.